The following is an entry in ClinVar:

ClinVar aggregate classification (germline): Likely benign (1 of 4 stars; one submission).

Allele frequency attached by ClinVar (database versions not stated): TOPMed below 0.00001; ExAC 0.00009.
gnomAD v4.1: 64 of 1,613,174 alleles (0.004%); highest among the groups gnomAD compares: South Asian, 0.021%; no homozygotes.

Submission:

CeGaT Center for Human Genetics Tuebingen
Classification: Likely benign. Last evaluated: 2023-07-01. Review status: criteria provided, single submitter. Criteria: CeGaT Center For Human Genetics Tuebingen Variant Classification Criteria Version 2. Collection method: clinical testing. Allele origin: germline. Affected: yes. Observed: 1 variant allele.
Comment: ZNF292: BP4

NM_015021.3(ZNF292):c.4630A>G (p.Asn1544Asp)

Gene: ZNF292 (zinc finger protein 292; plus strand). Cytogenetic location: 6q14.3.
Variant type: single nucleotide variant.
Coding change: c.4630A>G on transcript NM_015021.3 (MANE Select); coding-DNA position 4630, A replaced by G.
Protein change: p.Asn1544Asp; replaces asparagine 1544 with aspartic acid.
Molecular consequence: missense variant.
Genome position (GRCh38, 1-based): chr6:87,258,259, A>G. VCF-style: chr6-87258259-A-G. GRCh37 (hg19) VCF-style: chr6-87967977-A-G.
Other names: c.4210A>G, p.Asn1404Asp (NM_001351444.2); short protein forms N1404D, N1544D.
Identifiers: ClinVar variation 2579005 (VCV002579005.25), dbSNP rs766154099, ClinGen allele CA3914336.
Genomic context (GRCh38, chr6:87,258,259, plus strand): 5'-AATGCAACGGTGATGCCAAATCCAACTGTACCACCCCTGTTGCACACTGTATGCCATCCA[A>G]ACACCTTGCTGACCAACCAGAATAGGACGTCAAACTCCAAAACTTCCTCCATTGAGGAAT-3'
Protein context (NP_055836.1, residues 1534-1554): PPLLHTVCHP[Asn1544Asp]TLLTNQNRTS